The following is an entry in ClinVar:

NM_006258.4(PRKG1):c.215C>A (p.Pro72Gln)

Gene: PRKG1 (protein kinase cGMP-dependent 1; plus strand). Cytogenetic location: 10q11.23.
Variant type: single nucleotide variant.
Coding change: c.215C>A on transcript NM_006258.4 (MANE Select); coding-DNA position 215, C replaced by A.
Protein change: p.Pro72Gln; replaces proline 72 with glutamine.
Molecular consequence: missense variant. On other transcripts: intron variant (1).
Genome position (GRCh38, 1-based): chr10:51,074,805, C>A. VCF-style: chr10-51074805-C-A. GRCh37 (hg19) VCF-style: chr10-52834565-C-A.
Other names: c.215C>A, p.Pro72Gln (NM_001374782.1); c.267-78359C>A (NM_001098512.3); short protein forms P72Q.
Identifiers: ClinVar variation 3425441 (VCV003425441.1).

ClinVar aggregate classification (germline): Uncertain significance (1 of 4 stars; one submission).

Conditions:
Familial thoracic aortic aneurysm and aortic dissection (TAAD). Also called: Thoracic aortic aneurysms and dissections. Identifiers: Orphanet 91387, MedGen C4707243, MONDO:0019625.

gnomAD v4.1: 2 of 1,613,860 alleles (0.00012%); highest among the groups gnomAD compares: East Asian, 0.0022%; no homozygotes.

Submission:

Ambry Genetics
Classification: Uncertain significance for Familial thoracic aortic aneurysm and aortic dissection. Last evaluated: 2024-10-15. Review status: criteria provided, single submitter. Criteria: Ambry Variant Classification Scheme 2023. Collection method: clinical testing. Allele origin: germline.
Comment: The p.P72Q variant (also known as c.215C>A), located in coding exon 1 of the PRKG1 gene, results from a C to A substitution at nucleotide position 215. The proline at codon 72 is replaced by glutamine, an amino acid with similar properties. This amino acid position is conserved. In addition, this alteration is predicted to be tolerated by in silico analysis. Based on the available evidence, the clinical significance of this variant remains unclear.